The following is an entry in ClinVar:

NM_205861.3(DHDDS):c.590C>G (p.Ser197Cys)

Gene: DHDDS (dehydrodolichyl diphosphate synthase subunit; plus strand). Cytogenetic location: 1p36.11.
Variant type: single nucleotide variant.
Coding change: c.590C>G on transcript NM_205861.3 (MANE Select); coding-DNA position 590, C replaced by G.
Protein change: p.Ser197Cys; replaces serine 197 with cysteine.
Molecular consequence: missense variant.
Genome position (GRCh38, 1-based): chr1:26,457,838, C>G. VCF-style: chr1-26457838-C-G. GRCh37 (hg19) VCF-style: chr1-26784329-C-G.
Other names: c.488C>G, p.Ser163Cys (NM_001243564.2); c.473C>G, p.Ser158Cys (NM_001243565.2); c.311C>G, p.Ser104Cys (NM_001319959.2); c.590C>G, p.Ser197Cys (NM_024887.4); short protein forms S158C, S104C, S197C, S163C.
Identifiers: ClinVar variation 1355022 (VCV001355022.6), dbSNP rs772379835, ClinGen allele CA705406.

ClinVar aggregate classification (germline): Uncertain significance (1 of 4 stars; one submission).

Conditions:
Retinitis pigmentosa 59 (RP59). Identifiers: Orphanet 791, MedGen C3151227, MONDO:0013468, OMIM 613861.

Allele frequency attached by ClinVar (database versions not stated): gnomAD exomes below 0.00001; ExAC 0.00001; TOPMed 0.00001; gnomAD 0.00002.
gnomAD v4.1: 4 of 1,613,876 alleles (0.00025%); highest among the groups gnomAD compares: African/African-American, 0.0027%; no homozygotes.

Submission:

Labcorp Genetics (formerly Invitae), Labcorp
Classification: Uncertain significance for Retinitis pigmentosa 59. Last evaluated: 2024-08-12. Review status: criteria provided, single submitter. Criteria: Invitae Variant Classification Sherloc (09022015). Collection method: clinical testing. Allele origin: germline.
Comment: This sequence change replaces serine, which is neutral and polar, with cysteine, which is neutral and slightly polar, at codon 197 of the DHDDS protein (p.Ser197Cys). This variant is present in population databases (rs772379835, gnomAD 0.004%). This variant has not been reported in the literature in individuals affected with DHDDS-related conditions. ClinVar contains an entry for this variant (Variation ID: 1355022). Advanced modeling of protein sequence and biophysical properties (such as structural, functional, and spatial information, amino acid conservation, physicochemical variation, residue mobility, and thermodynamic stability) performed at Invitae indicates that this missense variant is not expected to disrupt DHDDS protein function with a negative predictive value of 80%. In summary, the available evidence is currently insufficient to determine the role of this variant in disease. Therefore, it has been classified as a Variant of Uncertain Significance.